The following is an entry in ClinVar:

ClinVar aggregate classification (germline): Conflicting classifications of pathogenicity. Review status: criteria provided, conflicting classifications (1 of 4 stars). 4 submissions from 4 submitters: Uncertain significance (2); Likely benign (2). Last evaluated 2025-04-03.

Conditions:
Inborn genetic diseases. Identifiers: MedGen C0950123, MeSH D030342.
Charcot-Marie-Tooth disease axonal type 2O. Also called: Charcot-Marie-Tooth Neuropathy Type 2O; CHARCOT-MARIE-TOOTH NEUROPATHY, AXONAL, TYPE 2O; CHARCOT-MARIE-TOOTH DISEASE, AXONAL, AUTOSOMAL DOMINANT, TYPE 2O; Charcot-Marie-Tooth disease, axonal, type 20. Identifiers: Orphanet 284232, MedGen C3280220, MONDO:0013644, OMIM 614228.
DYNC1H1-related disorder. Also called: DYNC1H1-related condition; DYNC1H1-related disorders. Identifiers: MedGen CN381529.

Allele frequency attached by ClinVar (database versions not stated): gnomAD exomes 0.00001 and 0.00002; gnomAD 0.00002 and 0.00003; ExAC 0.00005; TOPMed 0.00005; 1000 Genomes Project 30x 0.00016; 1000 Genomes Project 0.00020.

Submissions (4):

Ambry Genetics
Classification: Uncertain significance for Inborn genetic diseases. Last evaluated: 2025-04-03. Review status: criteria provided, single submitter. Criteria: Ambry Variant Classification Scheme 2023. Collection method: clinical testing. Allele origin: germline.

Labcorp Genetics (formerly Invitae), Labcorp
Classification: Likely benign for Charcot-Marie-Tooth disease axonal type 2O. Last evaluated: 2024-10-30. Review status: criteria provided, single submitter. Criteria: Invitae Variant Classification Sherloc (09022015). Collection method: clinical testing. Allele origin: germline.

PreventionGenetics, part of Exact Sciences
Classification: Uncertain significance for DYNC1H1-related condition. Last evaluated: 2022-10-19. Review status: criteria provided, single submitter. Criteria: ACMG Guidelines, 2015. Collection method: clinical testing. Allele origin: germline.
Comment: The DYNC1H1 c.7225G>A variant is predicted to result in the amino acid substitution p.Ala2409Thr. To our knowledge, this variant has not been reported in the literature. This variant is reported in 0.0026% of alleles in individuals of European (Non-Finnish) descent in gnomAD. This variant is classified as likely benign/uncertain in ClinVar. At this time, the clinical significance of this variant is uncertain due to the absence of conclusive functional and genetic evidence.

GeneDx
Classification: Likely benign. Last evaluated: 2018-06-26. Review status: criteria provided, single submitter. Criteria: GeneDx Variant Classification Process June 2021. Collection method: clinical testing. Allele origin: germline. Affected: yes.

NM_001376.5(DYNC1H1):c.7225G>A (p.Ala2409Thr)

Gene: DYNC1H1 (dynein cytoplasmic 1 heavy chain 1; plus strand). Cytogenetic location: 14q32.31.
Variant type: single nucleotide variant.
Coding change: c.7225G>A on transcript NM_001376.5 (MANE Select); coding-DNA position 7225, G replaced by A.
Protein change: p.Ala2409Thr; replaces alanine 2409 with threonine.
Molecular consequence: missense variant.
Genome position (GRCh38, 1-based): chr14:102,015,315, G>A. VCF-style: chr14-102015315-G-A. GRCh37 (hg19) VCF-style: chr14-102481652-G-A.
Other names: short protein forms A2409T.
Identifiers: ClinVar variation 838353 (VCV000838353.16), dbSNP rs566204008, ClinGen allele CA7352761.